The following is an entry in ClinVar:

NM_001164508.2(NEB):c.11506G>A (p.Asp3836Asn)

Gene: NEB (nebulin; minus strand). Cytogenetic location: 2q23.3.
Variant type: single nucleotide variant.
Coding change: c.11506G>A on transcript NM_001164508.2 (MANE Select); coding-DNA position 11506, G replaced by A.
Protein change: p.Asp3836Asn; replaces aspartic acid 3836 with asparagine.
Molecular consequence: missense variant.
Genome position (GRCh38, 1-based): chr2:151,614,371, C>T on the plus strand (G>A on the coding strand, the complement: NEB is on the minus strand). VCF-style: chr2-151614371-C-T. GRCh37 (hg19) VCF-style: chr2-152470885-C-T.
Other names: c.11506G>A, p.Asp3836Asn (NM_001164507.2, NM_001271208.2); c.10777G>A, p.Asp3593Asn (NM_004543.5); c.10777G>A (NM_004543.4); short protein forms D3593N, D3836N.
Identifiers: ClinVar variation 1413957 (VCV001413957.6), dbSNP rs758723038, ClinGen allele CA1908746.

ClinVar aggregate classification (germline): Uncertain significance. Review status: criteria provided, multiple submitters, no conflicts (2 of 4 stars). 4 submissions from 4 submitters: Uncertain significance (4). Last evaluated 2025-05-28.

Conditions:
Nemaline myopathy 2 (NEM2). Also called: Nemaline myopathy 2, autosomal recessive. Identifiers: MedGen C1850569, MONDO:0009725, OMIM 256030.
Inborn genetic diseases. Identifiers: MedGen C0950123, MeSH D030342.

Allele frequency attached by ClinVar (database versions not stated): gnomAD exomes 0.00001; ExAC 0.00001.
gnomAD v4.1: 9 of 1,613,860 alleles (0.00056%); highest among the groups gnomAD compares: Middle Eastern, 0.033%; no homozygotes.

Submissions (4):

Ambry Genetics
Classification: Uncertain significance for Inborn genetic diseases. Last evaluated: 2025-05-28. Review status: criteria provided, single submitter. Criteria: Ambry Variant Classification Scheme 2023. Collection method: clinical testing. Allele origin: germline.

Genomic Medicine Center of Excellence, King Faisal Specialist Hospital and Research Centre
Classification: Uncertain significance for Nemaline myopathy 2. Last evaluated: 2024-09-22. Review status: criteria provided, single submitter. Criteria: ACMG Guidelines, 2015. Collection method: clinical testing. Allele origin: germline.

Labcorp Genetics (formerly Invitae), Labcorp
Classification: Uncertain significance for Nemaline myopathy 2. Last evaluated: 2022-06-04. Review status: criteria provided, single submitter. Criteria: Invitae Variant Classification Sherloc (09022015). Collection method: clinical testing. Allele origin: germline.
Comment: This sequence change replaces aspartic acid, which is acidic and polar, with asparagine, which is neutral and polar, at codon 3836 of the NEB protein (p.Asp3836Asn). This variant is present in population databases (rs758723038, gnomAD 0.002%). This variant has not been reported in the literature in individuals affected with NEB-related conditions. ClinVar contains an entry for this variant (Variation ID: 1413957). Algorithms developed to predict the effect of missense changes on protein structure and function are either unavailable or do not agree on the potential impact of this missense change (SIFT: "Deleterious"; PolyPhen-2: "Not Available"; Align-GVGD: "Class C0"). In summary, the available evidence is currently insufficient to determine the role of this variant in disease. Therefore, it has been classified as a Variant of Uncertain Significance.

Breakthrough Genomics
Classification: Uncertain significance. Review status: criteria provided, single submitter. Criteria: ACMG Guidelines, 2015. Collection method: not provided. Allele origin: germline. Inheritance: Autosomal recessive inheritance. Affected: yes.